The following is an entry in ClinVar:

ClinVar aggregate classification (germline): Uncertain significance. Review status: criteria provided, multiple submitters, no conflicts (2 of 4 stars). 2 submissions from 2 submitters: Uncertain significance (2). Last evaluated 2024-07-03.

Conditions:
Duchenne muscular dystrophy (DMD). Also called: MUSCULAR DYSTROPHY, PSEUDOHYPERTROPHIC PROGRESSIVE, DUCHENNE TYPE; Duchenne Muscular Dystrophy (DMD). Identifiers: Orphanet 98896, MedGen C0013264, MONDO:0010679, OMIM 310200.
Cardiovascular phenotype. Identifiers: MedGen CN230736.

Allele frequency attached by ClinVar (database versions not stated): gnomAD exomes below 0.00001.
gnomAD v4.1: 1 of 1,211,350 alleles (0.000083%); highest among the groups gnomAD compares: Non-Finnish European, 0.00011%; no homozygotes.

Submissions (2):

Labcorp Genetics (formerly Invitae), Labcorp
Classification: Uncertain significance for Duchenne muscular dystrophy. Last evaluated: 2024-07-03. Review status: criteria provided, single submitter. Criteria: Invitae Variant Classification Sherloc (09022015). Collection method: clinical testing. Allele origin: germline.
Comment: This sequence change replaces leucine, which is neutral and non-polar, with isoleucine, which is neutral and non-polar, at codon 979 of the DMD protein (p.Leu979Ile). This variant is not present in population databases (gnomAD no frequency). This variant has not been reported in the literature in individuals affected with DMD-related conditions. ClinVar contains an entry for this variant (Variation ID: 1797859). Advanced modeling of protein sequence and biophysical properties (such as structural, functional, and spatial information, amino acid conservation, physicochemical variation, residue mobility, and thermodynamic stability) performed at Invitae indicates that this missense variant is not expected to disrupt DMD protein function with a negative predictive value of 95%. In summary, the available evidence is currently insufficient to determine the role of this variant in disease. Therefore, it has been classified as a Variant of Uncertain Significance.

Ambry Genetics
Classification: Uncertain significance for Cardiovascular phenotype. Last evaluated: 2021-12-15. Review status: criteria provided, single submitter. Criteria: Ambry Variant Classification Scheme 2023. Collection method: clinical testing. Allele origin: germline.
Comment: The p.L979I variant (also known as c.2935C>A), located in coding exon 22 of the DMD gene, results from a C to A substitution at nucleotide position 2935. The leucine at codon 979 is replaced by isoleucine, an amino acid with highly similar properties. This amino acid position is highly conserved in available vertebrate species. In addition, this alteration is predicted to be tolerated by in silico analysis. Since supporting evidence is limited at this time, the clinical significance of this alteration remains unclear.

NM_004006.3(DMD):c.2935C>A (p.Leu979Ile)

Gene: DMD (dystrophin; minus strand). Cytogenetic location: Xp21.1.
Variant type: single nucleotide variant.
Coding change: c.2935C>A on transcript NM_004006.3 (MANE Select); coding-DNA position 2935, C replaced by A.
Protein change: p.Leu979Ile; replaces leucine 979 with isoleucine.
Molecular consequence: missense variant.
Genome position (GRCh38, 1-based): chrX:32,472,178, G>T on the plus strand (C>A on the coding strand, the complement: DMD is on the minus strand). VCF-style: chrX-32472178-G-T. GRCh37 (hg19) VCF-style: chrX-32490295-G-T.
Other names: c.2911C>A, p.Leu971Ile (NM_000109.4); c.2923C>A, p.Leu975Ile (NM_004009.3); c.2566C>A, p.Leu856Ile (NM_004010.3); short protein forms L971I, L979I, L856I, L975I.
Identifiers: ClinVar variation 1797859 (VCV001797859.7), dbSNP rs955790502, ClinGen allele CA412667786.